The following is an entry in ClinVar:

NM_001164760.2(PRKAR1B):c.204_205del (p.Gln69fs)

Gene: PRKAR1B (protein kinase cAMP-dependent type I regulatory subunit beta; minus strand). Cytogenetic location: 7p22.3.
Variant type: Deletion.
Coding change: c.204_205del on transcript NM_001164760.2 (MANE Select); coding-DNA positions 204 to 205, 2 bases deleted (GC; older notation c.204_205delGC).
Protein change: p.Gln69fs; shifts the reading frame from glutamine 69.
Molecular consequence: frameshift variant.
Genome position (GRCh38, 1-based): chr7:680,699-680,700, GC deleted on the plus strand (GC on the coding strand, the reverse complement: PRKAR1B is on the minus strand). VCF-style (leftmost placement, unchanged base first): chr7-680698-TGC-T. GRCh37 (hg19) VCF-style: chr7-720335-TGC-T.
Other names: c.204_205del, p.Gln69fs (NM_001164758.2, NM_001164759.1, NM_001164761.2 and 2 more transcripts); short protein forms Q69fs.
Identifiers: ClinVar variation 3383591 (VCV003383591.1).

ClinVar aggregate classification (germline): Uncertain significance (1 of 4 stars; one submission).

Submission:

GeneDx
Classification: Uncertain significance. Last evaluated: 2024-05-26. Review status: criteria provided, single submitter. Criteria: GeneDx Variant Classification Process June 2021. Collection method: clinical testing. Allele origin: germline. Affected: yes.
Comment: Not observed at significant frequency in large population cohorts (gnomAD); Has not been previously published as pathogenic or benign to our knowledge; Frameshift variant predicted to result in protein truncation or nonsense mediated decay in a gene for which loss-of-function is not a known mechanism of disease